The following is an entry in ClinVar:

ClinVar aggregate classification (germline): Benign (1 of 4 stars; one submission).

Conditions:
Torsion dystonia 6 (DYT6). Also called: DYT-THAP1. Identifiers: Orphanet 98806, MedGen C1414216, MONDO:0011264, OMIM 602629.

Allele frequency attached by ClinVar (database versions not stated): TOPMed 0.00305; gnomAD 0.00310 and 0.00334; 1000 Genomes Project 0.00679; 1000 Genomes Project 30x 0.00687.

Submission:

Illumina Laboratory Services, Illumina
Classification: Benign for Torsion dystonia 6. Last evaluated: 2018-01-13. Review status: criteria provided, single submitter. Criteria: ICSL Variant Classification Criteria 13 December 2019. Collection method: clinical testing. Allele origin: germline.
Comment: This variant was observed in the ICSL laboratory as part of a predisposition screen in an ostensibly healthy population. It had not been previously curated by ICSL or reported in the Human Gene Mutation Database (HGMD: prior to June 1st, 2018), and was therefore a candidate for classification through an automated scoring system. Utilizing variant allele frequency, disease prevalence and penetrance estimates, and inheritance mode, an automated score was calculated to assess if this variant is too frequent to cause the disease. Based on the score and internal cut-off values, a variant classified as benign is not then subjected to further curation. The score for this variant resulted in a classification of benign for this disease.

NM_018105.3(THAP1):c.*745G>T

Gene: THAP1 (THAP domain containing 1; minus strand). Cytogenetic location: 8p11.21.
Variant type: single nucleotide variant.
Coding change: c.*745G>T on transcript NM_018105.3 (MANE Select); 745 bases downstream of the stop codon, G replaced by T.
Molecular consequence: 3 prime UTR variant.
Genome position (GRCh38, 1-based): chr8:42,837,217, C>A on the plus strand (G>T on the coding strand, the complement: THAP1 is on the minus strand). VCF-style: chr8-42837217-C-A. GRCh37 (hg19) VCF-style: chr8-42692360-C-A.
Other names: c.*1029G>T (NM_199003.2).
Identifiers: ClinVar variation 363112 (VCV000363112.5), dbSNP rs114447974, ClinGen allele CA10631145.
Genomic context (GRCh38, chr8:42,837,217, plus strand): 5'-AGCTAGGGTGTAATGAAAGAAAAAAGCGTATCATAGATCAGGTCCCAGTTTTAATTACTT[C>A]ATTGATGACAATGCCTTACTTTATTTATTGAAAAATGTTTCTTCCACTGAAAATACACTT-3'